The following is an entry in ClinVar:

ClinVar aggregate classification (germline): Pathogenic (1 of 4 stars; one submission).

Submission:

Quest Diagnostics Nichols Institute San Juan Capistrano
Classification: Pathogenic. Last evaluated: 2021-12-08. Review status: criteria provided, single submitter. Criteria: ACMG/ClinGen CNV Guidelines, 2019. Collection method: clinical testing. Allele origin: unknown.
Comment: The 1q43qter duplication involves 76 protein coding genes. This region also contains the 1q43q44 microdeletion syndrome region (OMIM 612337). Multiple cases with pure duplication of 1q42-qter have shown common characteristic manifestations including prenatal and postnatal growth retardation, relative macrocephaly, triangular face, prominent forehead, broad nasal bridge, abnormal philtrum, micro/retrognathia, cardiac defects, and intellectual disability (Verschuuren-Bemelmans et al, 1995. Am J Med Genet 58:83-86; Chia NL et al, 1988. Clin Genet 34:224-229; Bartsch C et al, Fetal Diagn Ther. 2001 Sep-Oct;16(5):265-73. PMID: 11509847; De Brasi D et al, Am J Med Genet. 2001 Nov 22;104(2):127-30. PMID: 11746042; Cocce MC et al, Cytogenet Genome Res. 2007;118(1):84-6. PMID: 17901705). In addition, a de novo 3 Mb duplication at 1q43q44 which largely overlaps the current duplication has been reported in a child with moderate developmental delays in gross motor movements and speech, macrocephaly, and craniofacial anomalies. The 3 Mb duplicated region contains 15 genes including AKT3. The authors propose triplosensitivity of AKT3 as causal for the macrocephaly phenotype (Wang et al, Am J Med Genet A. 2013 Aug;161A(8):2016-9. PMID: 23794269).

GRCh37/hg19 1q43-44(chr1:243258050-249224684)x3

Genes: ADSS2 (adenylosuccinate synthase 2; minus strand), AHCTF1 (AT-hook containing transcription factor 1; minus strand), AKT3 (AKT serine/threonine kinase 3; minus strand), CATSPERE (catsper channel auxiliary subunit epsilon; plus strand), CEP170 (centrosomal protein 170; minus strand) and 66 more. Cytogenetic location: 1q43-44.
Variant type: copy number gain.
Change: copy number 3 (three copies instead of two) of chr1:243,258,050-249,224,684 (5.97 Mb, GRCh37 coordinates, 1-based), cytogenetic band 1q43-44.
Identifiers: ClinVar variation 1807822 (VCV001807822.1).